The following is an entry in ClinVar:

ClinVar aggregate classification (germline): Uncertain significance (1 of 4 stars; one submission).

Submission:

Labcorp Genetics (formerly Invitae), Labcorp
Classification: Uncertain significance. Last evaluated: 2022-05-10. Review status: criteria provided, single submitter. Criteria: Invitae Variant Classification Sherloc (09022015). Collection method: clinical testing. Allele origin: germline.
Comment: Algorithms developed to predict the effect of missense changes on protein structure and function (SIFT, PolyPhen-2, Align-GVGD) all suggest that this variant is likely to be tolerated. This variant has not been reported in the literature in individuals affected with C3-related conditions. This variant is not present in population databases (gnomAD no frequency). This sequence change replaces glutamic acid, which is acidic and polar, with glycine, which is neutral and non-polar, at codon 72 of the C3 protein (p.Glu72Gly). In summary, the available evidence is currently insufficient to determine the role of this variant in disease. Therefore, it has been classified as a Variant of Uncertain Significance.

NM_000064.4(C3):c.215A>G (p.Glu72Gly)

Gene: C3 (complement C3; minus strand). Cytogenetic location: 19p13.3.
Variant type: single nucleotide variant.
Coding change: c.215A>G on transcript NM_000064.4 (MANE Select); coding-DNA position 215, A replaced by G.
Protein change: p.Glu72Gly; replaces glutamic acid 72 with glycine.
Molecular consequence: missense variant.
Genome position (GRCh38, 1-based): chr19:6,719,263, T>C on the plus strand (A>G on the coding strand, the complement: C3 is on the minus strand). VCF-style: chr19-6719263-T-C. GRCh37 (hg19) VCF-style: chr19-6719274-T-C.
Other names: short protein forms E72G.
Identifiers: ClinVar variation 1956729 (VCV001956729.5), dbSNP rs2512272081, ClinGen allele CA403645930.
Genomic context (GRCh38, chr19:6,719,263, plus strand): 5'-GCACTCACCGTGAAGGTGACGTTGCCCATGTGGTTGGTGGCAGGGGTCAGCACAGTCTTC[T>C]CACTGGACAGCACTAGTTTTTTGCCTGGGAAGTCGTGGACAGTAACAGTGACTGGAACAT-3'
Protein context (NP_000055.2, residues 62-82): FPGKKLVLSS[Glu72Gly]KTVLTPATNH